The following is an entry in ClinVar:

NM_005050.4(ABCD4):c.1688A>G (p.Tyr563Cys)

Gene: ABCD4 (ATP binding cassette subfamily D member 4; minus strand). Cytogenetic location: 14q24.3.
Variant type: single nucleotide variant.
Coding change: c.1688A>G on transcript NM_005050.4 (MANE Select); coding-DNA position 1688, A replaced by G.
Protein change: p.Tyr563Cys; replaces tyrosine 563 with cysteine.
Molecular consequence: missense variant. On other transcripts: 3 prime UTR variant (1), non-coding transcript variant (10).
Genome position (GRCh38, 1-based): chr14:74,286,765, T>C on the plus strand (A>G on the coding strand, the complement: ABCD4 is on the minus strand). VCF-style: chr14-74286765-T-C. GRCh37 (hg19) VCF-style: chr14-74753468-T-C.
Other names: c.1562A>G, p.Tyr521Cys (NM_001353591.2, NM_001353592.2); c.1427A>G, p.Tyr476Cys (NM_001353593.2); c.1376A>G, p.Tyr459Cys (NM_001353594.2); c.1274A>G, p.Tyr425Cys (NM_001353595.2, NM_001353596.2); c.1223A>G, p.Tyr408Cys (NM_001353597.2); c.1211A>G, p.Tyr404Cys (NM_001353598.2, NM_001353599.2, NM_001353600.2 and 2 more transcripts); c.899A>G, p.Tyr300Cys (NM_001353602.2, NM_001353603.2, NM_001353604.2 and 5 more transcripts); c.*25A>G (NM_001353610.2); and 1 more; short protein forms Y300C, Y404C, Y408C, Y425C, Y459C, Y476C, Y521C, Y563C.
Identifiers: ClinVar variation 1197229 (VCV001197229.8), dbSNP rs145853977, ClinGen allele CA7266627.

ClinVar aggregate classification (germline): Uncertain significance. Review status: criteria provided, multiple submitters, no conflicts (2 of 4 stars). 3 submissions from 3 submitters: Uncertain significance (3). Last evaluated 2025-10-21.

Conditions:
Inborn genetic diseases. Identifiers: MedGen C0950123, MeSH D030342.
Methylmalonic acidemia with homocystinuria, type cblJ (MAHCJ). Also called: METHYLMALONIC ACIDURIA AND HOMOCYSTINURIA, cblJ TYPE. Identifiers: Orphanet 369955, MedGen C3553915, MONDO:0013925, OMIM 614857.

Allele frequency attached by ClinVar (database versions not stated): gnomAD exomes 0.00004 and 0.00006; TOPMed 0.00004; gnomAD 0.00005; ExAC 0.00006; ESP Exome Variant Server 0.00031.
gnomAD v4.1: 76 of 1,613,996 alleles (0.0047%); highest among the groups gnomAD compares: Non-Finnish European, 0.0054%; no homozygotes.

Submissions (3):

Labcorp Genetics (formerly Invitae), Labcorp
Classification: Uncertain significance for Methylmalonic acidemia with homocystinuria, type cblJ. Last evaluated: 2025-10-21. Review status: criteria provided, single submitter. Criteria: Invitae Variant Classification Sherloc (09022015). Collection method: clinical testing. Allele origin: germline.
Comment: This sequence change replaces tyrosine, which is neutral and polar, with cysteine, which is neutral and slightly polar, at codon 563 of the ABCD4 protein (p.Tyr563Cys). This variant is present in population databases (rs145853977, gnomAD 0.009%). This variant has not been reported in the literature in individuals affected with ABCD4-related conditions. ClinVar contains an entry for this variant (Variation ID: 1197229). Invitae Evidence Modeling of protein sequence and biophysical properties (such as structural, functional, and spatial information, amino acid conservation, physicochemical variation, residue mobility, and thermodynamic stability) indicates that this missense variant is expected to disrupt ABCD4 protein function with a positive predictive value of 95%. In summary, the available evidence is currently insufficient to determine the role of this variant in disease. Therefore, it has been classified as a Variant of Uncertain Significance.

GeneDx
Classification: Uncertain significance. Last evaluated: 2025-05-11. Review status: criteria provided, single submitter. Criteria: GeneDx Variant Classification Process June 2021. Collection method: clinical testing. Allele origin: germline. Affected: yes.
Comment: In silico analysis supports that this missense variant has a deleterious effect on protein structure/function; Not observed at significant frequency in large population cohorts (gnomAD); Has not been previously published as pathogenic or benign to our knowledge

Ambry Genetics
Classification: Uncertain significance for Inborn genetic diseases. Last evaluated: 2025-04-19. Review status: criteria provided, single submitter. Criteria: Ambry Variant Classification Scheme 2023. Collection method: clinical testing. Allele origin: germline.